The following is an entry in ClinVar:

NM_001384140.1(PCDH15):c.2938G>T (p.Glu980Ter)

Gene: PCDH15 (protocadherin related 15; minus strand). Cytogenetic location: 10q21.1.
Variant type: single nucleotide variant.
Coding change: c.2938G>T on transcript NM_001384140.1 (MANE Select); coding-DNA position 2938, G replaced by T.
Protein change: p.Glu980Ter; replaces glutamic acid 980 with a stop codon.
Molecular consequence: nonsense.
Genome position (GRCh38, 1-based): chr10:53,961,823, C>A on the plus strand (G>T on the coding strand, the complement: PCDH15 is on the minus strand). VCF-style: chr10-53961823-C-A. GRCh37 (hg19) VCF-style: chr10-55721583-C-A.
Other names: c.2953G>T, p.Glu985Ter (NM_001142763.2, NM_001142771.2); c.2938G>T, p.Glu980Ter (NM_001142764.2, NM_001142766.2, NM_001142770.3 and 4 more transcripts); c.2725G>T, p.Glu909Ter (NM_001142765.2); c.2827G>T, p.Glu943Ter (NM_001142767.2); c.2872G>T, p.Glu958Ter (NM_001142768.2, NM_001142773.2, NM_001354404.2); c.2974G>T, p.Glu992Ter (NM_001142769.4); c.2959G>T, p.Glu987Ter (NM_001354411.2); short protein forms E909*, E943*, E958*, E980*, E985*, E987*, E992*.
Identifiers: ClinVar variation 4816366 (VCV004816366.1).
Genomic context (GRCh38, chr10:53,961,823, plus strand): 5'-TTGTAGGTTCTTCATTAAGATTGACTCGTGTTATTACTCTTCCAGAATCTTCTTCCACTT[C>A]AAAAATACTGGCAGGGTAAGGAAACTGTACATCATCTACTCTATACCTCACACGACTTGC-3'

ClinVar aggregate classification (germline): Likely pathogenic (1 of 4 stars; one submission).

Conditions:
Usher syndrome type 1F (USH1F). Also called: USHER SYNDROME, TYPE IF. Identifiers: Orphanet 231169, Orphanet 886, MedGen C1865885, MONDO:0011186, OMIM 602083.

gnomAD v4.1: 1 of 1,611,326 alleles (0.000062%); highest among the groups gnomAD compares: Admixed American, 0.0017%; no homozygotes.

Submission:

Natera, Inc.
Classification: Likely pathogenic for Usher syndrome type 1F. Last evaluated: 2024-07-05. Review status: criteria provided, single submitter. Criteria: Natera Variant Classification Schema (03/2026). Collection method: clinical testing. Allele origin: germline.
Comment: The c.2938G>T variant in PCDH15 is a nonsense variant predicted to introduce a stop codon at amino acid 980. This variant is expected to result in nonsense mediated decay, truncation, or a dysfunctional protein product. This variant is rare in the general population with a frequency below the threshold expected for the associated phenotype(s). Given the available evidence, this variant is classified as Likely Pathogenic.